The following is an entry in ClinVar:

ClinVar aggregate classification (germline): Uncertain significance (1 of 4 stars; one submission).

Submission:

Labcorp Genetics (formerly Invitae), Labcorp
Classification: Uncertain significance. Last evaluated: 2022-05-16. Review status: criteria provided, single submitter. Criteria: Invitae Variant Classification Sherloc (09022015). Collection method: clinical testing. Allele origin: germline.
Comment: This variant is not present in population databases (gnomAD no frequency). This variant has not been reported in the literature in individuals affected with PITPNM3-related conditions. Algorithms developed to predict the effect of missense changes on protein structure and function (SIFT, PolyPhen-2, Align-GVGD) all suggest that this variant is likely to be tolerated. In summary, the available evidence is currently insufficient to determine the role of this variant in disease. Therefore, it has been classified as a Variant of Uncertain Significance. This sequence change replaces threonine, which is neutral and polar, with alanine, which is neutral and non-polar, at codon 666 of the PITPNM3 protein (p.Thr666Ala).

NM_031220.4(PITPNM3):c.1996A>G (p.Thr666Ala)

Gene: PITPNM3 (PITPNM family member 3; minus strand). Cytogenetic location: 17p13.2.
Variant type: single nucleotide variant.
Coding change: c.1996A>G on transcript NM_031220.4 (MANE Select); coding-DNA position 1996, A replaced by G.
Protein change: p.Thr666Ala; replaces threonine 666 with alanine.
Molecular consequence: missense variant.
Genome position (GRCh38, 1-based): chr17:6,464,666, T>C on the plus strand (A>G on the coding strand, the complement: PITPNM3 is on the minus strand). VCF-style: chr17-6464666-T-C. GRCh37 (hg19) VCF-style: chr17-6367986-T-C.
Other names: c.1888A>G, p.Thr630Ala (NM_001165966.2); short protein forms T630A, T666A.
Identifiers: ClinVar variation 2041137 (VCV002041137.4), dbSNP rs2543983789, ClinGen allele CA397403198.